The following is an entry in ClinVar:

ClinVar aggregate classification (germline): Likely benign. Review status: criteria provided, multiple submitters, no conflicts (2 of 4 stars). 6 submissions from 6 submitters: Likely benign (5). 1 of the submissions does not count toward it. Last evaluated 2025-09-08.

Conditions:
NOTCH1-related disorder. Also called: NOTCH1-related disorders; NOTCH1-related condition.
Familial thoracic aortic aneurysm and aortic dissection (TAAD). Also called: Thoracic aortic aneurysms and dissections. Identifiers: Orphanet 91387, MedGen C4707243, MONDO:0019625.
Adams-Oliver syndrome 5 (AOS5). Identifiers: Orphanet 974, MedGen C4014970, MONDO:0014459, OMIM 616028.

Allele frequency attached by ClinVar (database versions not stated): TOPMed below 0.00001; gnomAD 0.00001; gnomAD exomes 0.00001; ExAC 0.00002.
gnomAD v4.1: 76 of 1,610,438 alleles (0.0047%); highest among the groups gnomAD compares: Middle Eastern, 0.066%; 1 homozygote.

Submissions (6):

Labcorp Genetics (formerly Invitae), Labcorp
Classification: Likely benign for Adams-Oliver syndrome 5. Last evaluated: 2025-09-08. Review status: criteria provided, single submitter. Criteria: Invitae Variant Classification Sherloc (09022015). Collection method: clinical testing. Allele origin: germline.

Blueprint Genetics
Classification: Likely benign. Last evaluated: 2024-09-10. Review status: criteria provided, single submitter. Criteria: ACMG Guidelines, 2015. Collection method: clinical testing. Allele origin: germline.

Ambry Genetics
Classification: Likely benign for Familial thoracic aortic aneurysm and aortic dissection. Last evaluated: 2023-08-13. Review status: criteria provided, single submitter. Criteria: Ambry Variant Classification Scheme 2023. Collection method: clinical testing. Allele origin: germline.

CeGaT Center for Human Genetics Tuebingen
Classification: Likely benign. Last evaluated: 2023-04-01. Review status: criteria provided, single submitter. Criteria: CeGaT Center For Human Genetics Tuebingen Variant Classification Criteria Version 2. Collection method: clinical testing. Allele origin: germline. Affected: yes. Observed: 1 variant allele.
Comment: NOTCH1: BP4, BP7

GeneDx
Classification: Likely benign. Last evaluated: 2020-10-23. Review status: criteria provided, single submitter. Criteria: GeneDx Variant Classification Process June 2021. Collection method: clinical testing. Allele origin: germline. Affected: yes.

PreventionGenetics, part of Exact Sciences
Classification: Likely benign for NOTCH1-related condition. Last evaluated: 2023-08-14. Review status: no assertion criteria provided. Collection method: clinical testing. Allele origin: germline. Not counted in ClinVar's aggregate classification.
Comment: This variant is classified as likely benign based on ACMG/AMP sequence variant interpretation guidelines (Richards et al. 2015 PMID: 25741868, with internal and published modifications).

NM_017617.5(NOTCH1):c.2643C>T (p.Gly881=)

Gene: NOTCH1 (notch receptor 1; minus strand). Cytogenetic location: 9q34.3.
Variant type: single nucleotide variant.
Coding change: c.2643C>T on transcript NM_017617.5 (MANE Select); coding-DNA position 2643, C replaced by T.
Protein change: p.Gly881=; no amino-acid change (glycine 881 retained).
Molecular consequence: synonymous variant.
Genome position (GRCh38, 1-based): chr9:136,510,750, G>A on the plus strand (C>T on the coding strand, the complement: NOTCH1 is on the minus strand). VCF-style: chr9-136510750-G-A. GRCh37 (hg19) VCF-style: chr9-139405202-G-A.
Other names: c.2643C>T (NM_017617.4).
Identifiers: ClinVar variation 1223669 (VCV001223669.34), dbSNP rs750777328, ClinGen allele CA5341213.